The following is an entry in ClinVar:

ClinVar aggregate classification (germline): Benign/Likely benign. Review status: criteria provided, multiple submitters, no conflicts (2 of 4 stars). 5 submissions from 5 submitters: Benign (1); Likely benign (4). Last evaluated 2026-02-01.

Conditions:
Joubert syndrome 14 (JBTS14). Identifiers: MedGen C3280766, MONDO:0013745, OMIM 614424.

Allele frequency attached by ClinVar (database versions not stated): gnomAD exomes 0.00040 and 0.00104; ExAC 0.00213; ESP Exome Variant Server 0.00391; gnomAD 0.00477 and 0.00503; 1000 Genomes Project 0.00519; TOPMed 0.00532; 1000 Genomes Project 30x 0.00625.
gnomAD v4.1: 1,369 of 1,570,596 alleles (0.087%); highest among the groups gnomAD compares: African/African-American, 1.5%; 11 homozygotes.

Submissions (5):

Labcorp Genetics (formerly Invitae), Labcorp
Classification: Benign for Joubert syndrome 14. Last evaluated: 2026-02-01. Review status: criteria provided, single submitter. Criteria: Invitae Variant Classification Sherloc (09022015). Collection method: clinical testing. Allele origin: germline.

Genomic Medicine Center of Excellence, King Faisal Specialist Hospital and Research Centre
Classification: Likely benign. Last evaluated: 2025-08-18. Review status: criteria provided, single submitter. Criteria: ACMG Guidelines, 2015. Collection method: clinical testing. Allele origin: germline.

Blueprint Genetics
Classification: Likely benign. Last evaluated: 2024-11-26. Review status: criteria provided, single submitter. Criteria: ACMG Guidelines, 2015. Collection method: clinical testing. Allele origin: germline.

GeneDx
Classification: Likely benign. Last evaluated: 2021-01-05. Review status: criteria provided, single submitter. Criteria: GeneDx Variant Classification Process June 2021. Collection method: clinical testing. Allele origin: germline. Affected: yes.

Illumina Laboratory Services, Illumina
Classification: Likely benign for Joubert syndrome 14. Last evaluated: 2018-01-13. Review status: criteria provided, single submitter. Criteria: ICSL Variant Classification Criteria 13 December 2019. Collection method: clinical testing. Allele origin: germline.
Comment: This variant was observed in the ICSL laboratory as part of a predisposition screen in an ostensibly healthy population. It had not been previously curated by ICSL or reported in the Human Gene Mutation Database (HGMD: prior to June 1st, 2018), and was therefore a candidate for classification through an automated scoring system. Utilizing variant allele frequency, disease prevalence and penetrance estimates, and inheritance mode, an automated score was calculated to assess if this variant is too frequent to cause the disease. Based on the score and internal cut-off values, a variant classified as likely benign is not then subjected to further curation. The score for this variant resulted in a classification of likely benign for this disease.

NM_001044385.3(TMEM237):c.80-11T>C

Gene: TMEM237 (transmembrane protein 237; minus strand). Cytogenetic location: 2q33.1.
Variant type: single nucleotide variant.
Coding change: c.80-11T>C on transcript NM_001044385.3 (MANE Select); 11 bases into the intron before coding-DNA position 80, T replaced by C.
Molecular consequence: intron variant.
Genome position (GRCh38, 1-based): chr2:201,639,056, A>G on the plus strand (T>C on the coding strand, the complement: TMEM237 is on the minus strand). VCF-style: chr2-201639056-A-G. GRCh37 (hg19) VCF-style: chr2-202503779-A-G.
Other names: c.56-11T>C (NM_152388.4).
Identifiers: ClinVar variation 333564 (VCV000333564.17), dbSNP rs76296365, ClinGen allele CA2056587.